The following is an entry in ClinVar:

NM_002691.4(POLD1):c.1269T>C (p.Arg423=)

Gene: POLD1 (DNA polymerase delta 1, catalytic subunit; plus strand). Cytogenetic location: 19q13.33.
Variant type: single nucleotide variant.
Coding change: c.1269T>C on transcript NM_002691.4 (MANE Select); coding-DNA position 1269, T replaced by C.
Protein change: p.Arg423=; no amino-acid change (arginine 423 retained).
Molecular consequence: synonymous variant. On other transcripts: non-coding transcript variant (1).
Genome position (GRCh38, 1-based): chr19:50,406,208, T>C. VCF-style: chr19-50406208-T-C. GRCh37 (hg19) VCF-style: chr19-50909465-T-C.
Other names: c.1269T>C, p.Arg423= (NM_001256849.1, NM_001308632.1).
Identifiers: ClinVar variation 1138511 (VCV001138511.11), dbSNP rs2122316891, ClinGen allele CA508304588.

ClinVar aggregate classification (germline): Benign/Likely benign. Review status: criteria provided, multiple submitters, no conflicts (2 of 4 stars). 2 submissions from 2 submitters: Benign (1); Likely benign (1). Last evaluated 2025-02-06.

Conditions:
POLD1-related polyposis and colorectal cancer syndrome (CRCS10). Also called: Colorectal cancer, susceptibility to, 10; Colorectal cancer 10; COLORECTAL CANCER, SUSCEPTIBILITY TO, ON CHROMOSOME 19q. Identifiers: Orphanet 220460, MedGen C2675481, MONDO:0012953, OMIM 612591.

Submissions (2):

Myriad Genetics, Inc.
Classification: Benign for POLD1-related polyposis and colorectal cancer syndrome. Last evaluated: 2025-02-06. Review status: criteria provided, single submitter. Criteria: Myriad Autosomal Dominant, Autosomal Recessive and X-Linked Classification Criteria (2023). Collection method: clinical testing. Allele origin: unknown.
Comment: This variant is considered benign. This variant is a silent/synonymous amino acid change and it is not expected to impact splicing.

Labcorp Genetics (formerly Invitae), Labcorp
Classification: Likely benign for POLD1-related polyposis and colorectal cancer syndrome. Last evaluated: 2023-05-13. Review status: criteria provided, single submitter. Criteria: Invitae Variant Classification Sherloc (09022015). Collection method: clinical testing. Allele origin: germline.